The following is an entry in ClinVar:

NM_001374736.1(DST):c.17681-5T>G

Gene: DST (dystonin; minus strand). Cytogenetic location: 6p12.1.
Variant type: single nucleotide variant.
Coding change: c.17681-5T>G on transcript NM_001374736.1 (MANE Select); 5 bases into the intron before coding-DNA position 17681, T replaced by G.
Molecular consequence: intron variant.
Genome position (GRCh38, 1-based): chr6:56,527,739, A>C on the plus strand (T>G on the coding strand, the complement: DST is on the minus strand). VCF-style: chr6-56527739-A-C. GRCh37 (hg19) VCF-style: chr6-56392537-A-C.
Other names: c.11324-5T>G (NM_001144769.5); c.17681-5T>G (NM_001374722.1); c.17708-5T>G (NM_001374734.1); c.10910-5T>G (NM_001144770.2); c.10463-5T>G (NM_001374730.1); c.10790-5T>G (NM_001386100.1, NM_183380.4); c.16721-5T>G (NM_001374729.1); c.9812-5T>G (NM_015548.5).
Identifiers: ClinVar variation 1728696 (VCV001728696.2), dbSNP rs2534789494, ClinGen allele CA2580075563.

ClinVar aggregate classification (germline): Uncertain significance (1 of 4 stars; one submission).

Conditions:
Inborn genetic diseases. Identifiers: MedGen C0950123, MeSH D030342.

Submission:

Ambry Genetics
Classification: Uncertain significance for Inborn genetic diseases. Last evaluated: 2021-09-01. Review status: criteria provided, single submitter. Criteria: Ambry Variant Classification Scheme 2023. Collection method: clinical testing. Allele origin: germline.
Comment: The c.11324-5T>G intronic variant results from a T to G substitution 5 nucleotides upstream from coding exon 62 in the DST gene. This nucleotide position is highly conserved in available vertebrate species. In silico splice site analysis predicts that this alteration will result in the creation or strengthening of a novel splice acceptor site. Since supporting evidence is limited at this time, the clinical significance of this alteration remains unclear.